The following is an entry in ClinVar:

ClinVar aggregate classification (germline): Uncertain significance (1 of 4 stars; one submission).

Allele frequency attached by ClinVar (database versions not stated): gnomAD exomes below 0.00001.

Submission:

Labcorp Genetics (formerly Invitae), Labcorp
Classification: Uncertain significance. Last evaluated: 2024-10-29. Review status: criteria provided, single submitter. Criteria: Invitae Variant Classification Sherloc (09022015). Collection method: clinical testing. Allele origin: germline.
Comment: This sequence change replaces lysine, which is basic and polar, with glutamic acid, which is acidic and polar, at codon 1876 of the POLE protein (p.Lys1876Glu). This variant is not present in population databases (gnomAD no frequency). This variant has not been reported in the literature in individuals affected with POLE-related conditions. ClinVar contains an entry for this variant (Variation ID: 1959674). Invitae Evidence Modeling of protein sequence and biophysical properties (such as structural, functional, and spatial information, amino acid conservation, physicochemical variation, residue mobility, and thermodynamic stability) indicates that this missense variant is not expected to disrupt POLE protein function with a negative predictive value of 80%. In summary, the available evidence is currently insufficient to determine the role of this variant in disease. Therefore, it has been classified as a Variant of Uncertain Significance.

NM_006231.4(POLE):c.5626A>G (p.Lys1876Glu)

Gene: POLE (DNA polymerase epsilon, catalytic subunit; minus strand). Cytogenetic location: 12q24.33.
Variant type: single nucleotide variant.
Coding change: c.5626A>G on transcript NM_006231.4 (MANE Select); coding-DNA position 5626, A replaced by G.
Protein change: p.Lys1876Glu; replaces lysine 1876 with glutamic acid.
Molecular consequence: missense variant.
Genome position (GRCh38, 1-based): chr12:132,638,066, T>C on the plus strand (A>G on the coding strand, the complement: POLE is on the minus strand). VCF-style: chr12-132638066-T-C. GRCh37 (hg19) VCF-style: chr12-133214652-T-C.
Other names: short protein forms K1876E.
Identifiers: ClinVar variation 1959674 (VCV001959674.3), dbSNP rs2042069725, ClinGen allele CA387374069.